The following is an entry in ClinVar:

ClinVar aggregate classification (germline): Uncertain significance (1 of 4 stars; one submission).

gnomAD v4.1: 1 of 1,583,566 alleles (0.000063%); highest among the groups gnomAD compares: Non-Finnish European, 0.000086%; no homozygotes.

Submission:

GeneDx
Classification: Uncertain significance. Last evaluated: 2025-06-13. Review status: criteria provided, single submitter. Criteria: GeneDx Variant Classification Process June 2021. Collection method: clinical testing. Allele origin: germline. Affected: yes.
Comment: Not observed at significant frequency in large population cohorts (gnomAD); In silico analysis suggests that this variant does not alter splicing; Has not been previously published as pathogenic or benign to our knowledge

NM_004447.6(EPS8):c.27C>G (p.Pro9=)

Gene: EPS8 (EGFR pathway substrate 8, signaling adaptor; minus strand). Cytogenetic location: 12p12.3.
Variant type: single nucleotide variant.
Coding change: c.27C>G on transcript NM_004447.6 (MANE Select); coding-DNA position 27, C replaced by G.
Protein change: p.Pro9=; no amino-acid change (proline 9 retained).
Molecular consequence: synonymous variant. On other transcripts: 5 prime UTR variant (2), non-coding transcript variant (3), intron variant (1).
Genome position (GRCh38, 1-based): chr12:15,682,925, G>C on the plus strand (C>G on the coding strand, the complement: EPS8 is on the minus strand). VCF-style: chr12-15682925-G-C. GRCh37 (hg19) VCF-style: chr12-15835859-G-C.
Other names: c.27C>G, p.Pro9= (NM_001413831.1, NM_001413832.1, NM_001413833.1 and 3 more transcripts); c.-137C>G (NM_001413835.1); c.-395C>G (NM_001413837.1); c.-104-12002C>G (NM_001413836.1).
Identifiers: ClinVar variation 4537617 (VCV004537617.1).